The following is an entry in ClinVar:

ClinVar aggregate classification (germline): Uncertain significance (1 of 4 stars; one submission).

Conditions:
Hereditary cancer-predisposing syndrome. Also called: Hereditary neoplastic syndrome; Neoplastic Syndromes, Hereditary; Tumor predisposition; Hereditary Cancer Syndrome. Identifiers: Orphanet 140162, MedGen C0027672, MeSH D009386, MONDO:0015356.

Submission:

Ambry Genetics
Classification: Uncertain significance for Hereditary cancer-predisposing syndrome. Last evaluated: 2014-09-13. Review status: criteria provided, single submitter. Criteria: Ambry Autosomal Dominant and X-Linked criteria (10/2015). Collection method: clinical testing. Allele origin: germline. Observed: 1 variant allele.
Comment: The c.4174-3T>C intronic variant results from a T to C substitution 3 nucleotides upstream from coding exon 32 in the NF1 gene. This variant was not reported in population based cohorts in the following databases: Database of Single Nucleotide Polymorphisms (dbSNP), NHLBI Exome Sequencing Project (ESP), and 1000 Genomes Project. In the ESP, this variant was not observed in 6503 samples (13006 alleles) with coverage at this position. To date, this alteration has been detected with an allele frequency of approximately 0.01% (greater than 11,000 alleles tested) in our clinical cohort (includes this individual). Based on nucleotide sequence alignment, this nucleotide position is not well conserved in available vertebrate species, and C is the reference nucleotide in multiple species. Using the BDGP and ESEfinder in silico splice site prediction tools, this alteration does not have any significant effect on the native splice acceptor site; however, direct evidence is unavailable. Since supporting evidence is limited at this time, the clinical significance of c.4174-3T>C remains unclear.

NM_001042492.3(NF1):c.4174-3T>C

Gene: NF1 (neurofibromin 1; plus strand). Cytogenetic location: 17q11.2.
Variant type: single nucleotide variant.
Coding change: c.4174-3T>C on transcript NM_001042492.3 (MANE Select); 3 bases into the intron before coding-DNA position 4174, T replaced by C.
Molecular consequence: intron variant.
Genome position (GRCh38, 1-based): chr17:31,258,341, T>C. VCF-style: chr17-31258341-T-C. GRCh37 (hg19) VCF-style: chr17-29585359-T-C.
Other names: c.4111-3T>C (NM_000267.4).
Identifiers: ClinVar variation 185974 (VCV000185974.3), dbSNP rs786202602, ClinGen allele CA193537.